The following is an entry in ClinVar:

ClinVar aggregate classification (germline): Uncertain significance. Review status: criteria provided, multiple submitters, no conflicts (2 of 4 stars). 2 submissions from 2 submitters: Uncertain significance (2). Last evaluated 2026-06-02.

Conditions:
KBG syndrome (KBGS). Also called: ANKRD11-Related KBG Syndrome. Identifiers: Orphanet 2332, MedGen C0220687, MONDO:0007846, OMIM 148050.

Allele frequency attached by ClinVar (database versions not stated): gnomAD exomes below 0.00001.
gnomAD v4.1: 3 of 1,614,204 alleles (0.00019%); highest among the groups gnomAD compares: Non-Finnish European, 0.00025%; no homozygotes.

Submissions (2):

Women's Health and Genetics/Laboratory Corporation of America, LabCorp
Classification: Uncertain significance. Last evaluated: 2026-06-02. Review status: criteria provided, single submitter. Criteria: LabCorp Variant Classification Summary - May 2015. Collection method: clinical testing. Allele origin: germline.
Comment: Variant summary: ANKRD11 c.4145A>C (p.Glu1382Ala) results in a non-conservative amino acid change in the encoded protein sequence. Algorithms developed to predict the effect of missense changes on protein structure and function are either unavailable or do not agree on the potential impact of this missense change. The variant allele was found at a frequency of 4e-06 in 251164 control chromosomes. The available data on variant occurrences in the general population are insufficient to allow any conclusion about variant significance. To our knowledge, no occurrence of c.4145A>C in individuals affected with ANKRD11-related conditions and no experimental evidence demonstrating its impact on protein function have been reported. ClinVar contains an entry for this variant (Variation ID: 1931578). Based on the evidence outlined above, the variant was classified as uncertain significance.

Labcorp Genetics (formerly Invitae), Labcorp
Classification: Uncertain significance for KBG syndrome. Last evaluated: 2024-05-15. Review status: criteria provided, single submitter. Criteria: Invitae Variant Classification Sherloc (09022015). Collection method: clinical testing. Allele origin: germline.
Comment: This sequence change replaces glutamic acid, which is acidic and polar, with alanine, which is neutral and non-polar, at codon 1382 of the ANKRD11 protein (p.Glu1382Ala). This variant is present in population databases (no rsID available, gnomAD 0.0009%). This variant has not been reported in the literature in individuals affected with ANKRD11-related conditions. ClinVar contains an entry for this variant (Variation ID: 1931578). Advanced modeling of protein sequence and biophysical properties (such as structural, functional, and spatial information, amino acid conservation, physicochemical variation, residue mobility, and thermodynamic stability) performed at Invitae indicates that this missense variant is not expected to disrupt ANKRD11 protein function with a negative predictive value of 95%. In summary, the available evidence is currently insufficient to determine the role of this variant in disease. Therefore, it has been classified as a Variant of Uncertain Significance.

NM_013275.6(ANKRD11):c.4145A>C (p.Glu1382Ala)

Gene: ANKRD11 (ankyrin repeat domain 11; minus strand). Cytogenetic location: 16q24.3.
Variant type: single nucleotide variant.
Coding change: c.4145A>C on transcript NM_013275.6 (MANE Select); coding-DNA position 4145, A replaced by C.
Protein change: p.Glu1382Ala; replaces glutamic acid 1382 with alanine.
Molecular consequence: missense variant.
Genome position (GRCh38, 1-based): chr16:89,282,397, T>G on the plus strand (A>C on the coding strand, the complement: ANKRD11 is on the minus strand). VCF-style: chr16-89282397-T-G. GRCh37 (hg19) VCF-style: chr16-89348805-T-G.
Other names: c.4145A>C, p.Glu1382Ala (NM_001256182.2, NM_001256183.2); short protein forms E1382A.
Identifiers: ClinVar variation 1931578 (VCV001931578.6), dbSNP rs1379926731, ClinGen allele CA397158211.
Genomic context (GRCh38, chr16:89,282,397, plus strand): 5'-TAAGCATCCGCCTCCAGGAAGTCCTTTTCGTACTGGCCGGAGTCCTTCCTGCTACCGCCC[T>G]CCTTGTAATCTTCGCCCTTCTCTTTCTTCTCGGCCTTCTCTTTCTTGGCTCGCTCTCGGT-3'
Protein context (NP_037407.4, residues 1372-1392): EKKEKGEDYK[Glu1382Ala]GGSRKDSGQY